The following is an entry in ClinVar:

ClinVar aggregate classification (germline): Uncertain significance. Review status: criteria provided, multiple submitters, no conflicts (2 of 4 stars). 3 submissions from 3 submitters: Uncertain significance (3). Last evaluated 2025-06-30.

Conditions:
Lethal multiple pterygium syndrome (LMPS). Identifiers: Orphanet 33108, MedGen C1854678, MONDO:0009668, OMIM 253290.
Inborn genetic diseases. Identifiers: MedGen C0950123, MeSH D030342.

Allele frequency attached by ClinVar (database versions not stated): TOPMed below 0.00001.

Submissions (3):

Ambry Genetics
Classification: Uncertain significance for Inborn genetic diseases. Last evaluated: 2025-06-30. Review status: criteria provided, single submitter. Criteria: Ambry Variant Classification Scheme 2023. Collection method: clinical testing. Allele origin: germline.

Labcorp Genetics (formerly Invitae), Labcorp
Classification: Uncertain significance for Lethal multiple pterygium syndrome. Last evaluated: 2023-10-05. Review status: criteria provided, single submitter. Criteria: Invitae Variant Classification Sherloc (09022015). Collection method: clinical testing. Allele origin: germline.
Comment: This sequence change replaces threonine, which is neutral and polar, with lysine, which is basic and polar, at codon 337 of the CHRND protein (p.Thr337Lys). This variant is not present in population databases (gnomAD no frequency). This variant has not been reported in the literature in individuals affected with CHRND-related conditions. ClinVar contains an entry for this variant (Variation ID: 2116566). Advanced modeling of protein sequence and biophysical properties (such as structural, functional, and spatial information, amino acid conservation, physicochemical variation, residue mobility, and thermodynamic stability) performed at Invitae indicates that this missense variant is not expected to disrupt CHRND protein function. In summary, the available evidence is currently insufficient to determine the role of this variant in disease. Therefore, it has been classified as a Variant of Uncertain Significance.

Revvity Omics, Revvity
Classification: Uncertain significance. Last evaluated: 2020-12-15. Review status: criteria provided, single submitter. Criteria: ACMG Guidelines, 2015. Collection method: clinical testing. Allele origin: germline.

NM_000751.3(CHRND):c.1010C>A (p.Thr337Lys)

Gene: CHRND (cholinergic receptor nicotinic delta subunit; plus strand). Cytogenetic location: 2q37.1.
Variant type: single nucleotide variant.
Coding change: c.1010C>A on transcript NM_000751.3 (MANE Select); coding-DNA position 1010, C replaced by A.
Protein change: p.Thr337Lys; replaces threonine 337 with lysine.
Molecular consequence: missense variant.
Genome position (GRCh38, 1-based): chr2:232,531,619, C>A. VCF-style: chr2-232531619-C-A. GRCh37 (hg19) VCF-style: chr2-233396329-C-A.
Other names: c.1010C>A (NM_000751.2, NM_000751.1); c.965C>A, p.Thr322Lys (NM_001256657.2); c.428C>A, p.Thr143Lys (NM_001311195.2); c.707C>A, p.Thr236Lys (NM_001311196.2); short protein forms T236K, T322K, T337K, T143K.
Identifiers: ClinVar variation 2116566 (VCV002116566.8), dbSNP rs1410941796, ClinGen allele CA351003584.